The following is an entry in ClinVar:

ClinVar aggregate classification (germline): Uncertain significance (1 of 4 stars; one submission).

Conditions:
NRP1-related disorder. Also called: NRP1-related condition.

Submission:

PreventionGenetics, part of Exact Sciences
Classification: Uncertain significance for NRP1-related condition. Last evaluated: 2026-01-22. Review status: criteria provided, single submitter. Criteria: ACMG Guidelines, 2015. Collection method: clinical testing. Allele origin: germline.
Comment: The NRP1 c.2728A>G variant is predicted to result in the amino acid substitution p.Lys910Glu. To our knowledge, this variant has not been reported in the literature or in a large population database (gnomAD), indicating this variant is rare. At this time, the clinical significance of this variant is uncertain due to the absence of conclusive functional and genetic evidence.

NM_003873.7(NRP1):c.2728A>G (p.Lys910Glu)

Gene: NRP1 (neuropilin 1; minus strand). Cytogenetic location: 10p11.22.
Variant type: single nucleotide variant.
Coding change: c.2728A>G on transcript NM_003873.7 (MANE Select); coding-DNA position 2728, A replaced by G.
Protein change: p.Lys910Glu; replaces lysine 910 with glutamic acid.
Molecular consequence: missense variant. On other transcripts: non-coding transcript variant (1).
Genome position (GRCh38, 1-based): chr10:33,180,120, T>C on the plus strand (A>G on the coding strand, the complement: NRP1 is on the minus strand). VCF-style: chr10-33180120-T-C. GRCh37 (hg19) VCF-style: chr10-33469048-T-C.
Other names: c.2710A>G, p.Lys904Glu (NM_001244972.2); c.2707A>G, p.Lys903Glu (NM_001244973.2); c.2677A>G, p.Lys893Glu (NM_001330068.2); short protein forms K904E, K893E, K903E, K910E.
Identifiers: ClinVar variation 4989960 (VCV004989960.1).